The following is an entry in ClinVar:

NM_000170.3(GLDC):c.2176del (p.Tyr725_Leu726insTer)

Gene: GLDC (glycine decarboxylase; minus strand). Cytogenetic location: 9p24.1.
Variant type: Deletion.
Coding change: c.2176del on transcript NM_000170.3 (MANE Select); coding-DNA position 2176, one base deleted (C; older notation c.2176delC).
Protein change: p.Tyr725_Leu726insTer.
Molecular consequence: nonsense.
Genome position (GRCh38, 1-based): chr9:6,556,179, G deleted on the plus strand (C on the coding strand, the reverse complement: GLDC is on the minus strand); the first of 2 consecutive G bases (chr9:6,556,179-6,556,180); deleting either gives the same sequence. VCF-style (leftmost placement, unchanged base first): chr9-6556178-AG-A. GRCh37 (hg19) VCF-style: chr9-6556178-AG-A.
Identifiers: ClinVar variation 1073876 (VCV001073876.9), dbSNP rs2129725961, ClinGen allele CA2499219920.

ClinVar aggregate classification (germline): Pathogenic (1 of 4 stars; one submission).

Conditions:
Glycine encephalopathy. Also called: Nonketotic hyperglycinemia; Non-ketotic hyperglycinemia. Identifiers: Orphanet 407, MedGen C0751748, MONDO:0011612, HP:0008288.

Submission:

Labcorp Genetics (formerly Invitae), Labcorp
Classification: Pathogenic for Glycine encephalopathy. Last evaluated: 2020-09-02. Review status: criteria provided, single submitter. Criteria: Invitae Variant Classification Sherloc (09022015). Collection method: clinical testing. Allele origin: germline.
Comment: For these reasons, this variant has been classified as Pathogenic. Loss-of-function variants in GLDC are known to be pathogenic (PMID: 16601880). This variant has been observed in individual(s) with nonketotic hyperglycinemia (PMID: 27362913). This variant is not present in population databases (ExAC no frequency). This sequence change creates a premature translational stop signal (p.Leu726*) in the GLDC gene. It is expected to result in an absent or disrupted protein product.

Literature cited by the submitters: PubMed 16601880; PubMed 27362913.